The following is an entry in ClinVar:

NM_022114.4(PRDM16):c.3480G>A (p.Glu1160=)

Gene: PRDM16 (PR/SET domain 16; plus strand). Cytogenetic location: 1p36.32.
Variant type: single nucleotide variant.
Coding change: c.3480G>A on transcript NM_022114.4 (MANE Select); coding-DNA position 3480, G replaced by A.
Protein change: p.Glu1160=; no amino-acid change (glutamic acid 1160 retained).
Molecular consequence: synonymous variant.
Genome position (GRCh38, 1-based): chr1:3,431,067, G>A. VCF-style: chr1-3431067-G-A. GRCh37 (hg19) VCF-style: chr1-3347631-G-A.
Other names: c.3480G>A, p.Glu1160= (NM_199454.3).
Identifiers: ClinVar variation 3048344 (VCV003048344.3), dbSNP rs991074225, ClinGen allele CA16990251.

ClinVar aggregate classification (germline): Likely benign. Review status: criteria provided, single submitter (1 of 4 stars). 2 submissions from 2 submitters: Likely benign (1). 1 of the submissions does not count toward it. Last evaluated 2025-04-17.

Conditions:
Left ventricular noncompaction 8 (LVNC8). Identifiers: Orphanet 154, Orphanet 54260, MedGen C3809288, MONDO:0014152, OMIM 615373.
PRDM16-related disorder. Also called: PRDM16-related condition.

Allele frequency attached by ClinVar (database versions not stated): gnomAD exomes 0.00001.
gnomAD v4.1: 20 of 1,554,190 alleles (0.0013%); highest among the groups gnomAD compares: African/African-American, 0.0068%; no homozygotes.

Submissions (2):

Labcorp Genetics (formerly Invitae), Labcorp
Classification: Likely benign for Left ventricular noncompaction 8. Last evaluated: 2025-04-17. Review status: criteria provided, single submitter. Criteria: Invitae Variant Classification Sherloc (09022015). Collection method: clinical testing. Allele origin: germline.

PreventionGenetics, part of Exact Sciences
Classification: Likely benign for PRDM16-related condition. Last evaluated: 2023-12-11. Review status: no assertion criteria provided. Collection method: clinical testing. Allele origin: germline. Not counted in ClinVar's aggregate classification.
Comment: This variant is classified as likely benign based on ACMG/AMP sequence variant interpretation guidelines (Richards et al. 2015 PMID: 25741868, with internal and published modifications).